The following is an entry in ClinVar:

NM_001242896.3(DEPDC5):c.329G>T (p.Gly110Val)

Gene: DEPDC5 (DEP domain containing 5, GATOR1 subcomplex subunit; plus strand). Cytogenetic location: 22q12.2.
Variant type: single nucleotide variant.
Coding change: c.329G>T on transcript NM_001242896.3 (MANE Select); coding-DNA position 329, G replaced by T.
Protein change: p.Gly110Val; replaces glycine 110 with valine.
Molecular consequence: missense variant. On other transcripts: non-coding transcript variant (5), intron variant (2).
Genome position (GRCh38, 1-based): chr22:31,766,634, G>T. VCF-style: chr22-31766634-G-T. GRCh37 (hg19) VCF-style: chr22-32162620-G-T.
Other names: c.279+1574G>T (NM_001369902.1, NM_001369901.1); c.329G>T, p.Gly110Val (NM_001242897.2, NM_001363852.2, NM_001363854.2 and 7 more transcripts); short protein forms G110V.
Identifiers: ClinVar variation 2756717 (VCV002756717.3), dbSNP rs2517946629, ClinGen allele CA411282432.

ClinVar aggregate classification (germline): Uncertain significance (1 of 4 stars; one submission).

Conditions:
Familial focal epilepsy with variable foci (FPEVF). Identifiers: Orphanet 98820, MedGen C1858477, MONDO:0020310.

Submission:

Labcorp Genetics (formerly Invitae), Labcorp
Classification: Uncertain significance for Familial focal epilepsy with variable foci. Last evaluated: 2023-01-21. Review status: criteria provided, single submitter. Criteria: Invitae Variant Classification Sherloc (09022015). Collection method: clinical testing. Allele origin: germline.
Comment: In summary, the available evidence is currently insufficient to determine the role of this variant in disease. Therefore, it has been classified as a Variant of Uncertain Significance. This sequence change replaces glycine, which is neutral and non-polar, with valine, which is neutral and non-polar, at codon 110 of the DEPDC5 protein (p.Gly110Val). This variant is not present in population databases (gnomAD no frequency). This variant has not been reported in the literature in individuals affected with DEPDC5-related conditions. Algorithms developed to predict the effect of missense changes on protein structure and function are either unavailable or do not agree on the potential impact of this missense change (SIFT: "Deleterious"; PolyPhen-2: "Not Available"; Align-GVGD: "Class C0").